The following is an entry in ClinVar:

ClinVar aggregate classification (germline): Uncertain significance (1 of 4 stars; one submission).

Conditions:
Familial thoracic aortic aneurysm and aortic dissection (TAAD). Also called: Thoracic aortic aneurysms and dissections. Identifiers: Orphanet 91387, MedGen C4707243, MONDO:0019625.

Submission:

Ambry Genetics
Classification: Uncertain significance for Familial thoracic aortic aneurysm and aortic dissection. Last evaluated: 2025-01-30. Review status: criteria provided, single submitter. Criteria: Ambry Variant Classification Scheme 2023. Collection method: clinical testing. Allele origin: germline.
Comment: The p.M620I variant (also known as c.1860G>T), located in coding exon 17 of the COL5A1 gene, results from a G to T substitution at nucleotide position 1860. The methionine at codon 620 is replaced by isoleucine, an amino acid with highly similar properties. This amino acid position is highly conserved in available vertebrate species. In addition, the in silico prediction for this alteration is inconclusive. Based on the available evidence, the clinical significance of this variant remains unclear.

NM_000093.5(COL5A1):c.1860G>T (p.Met620Ile)

Gene: COL5A1 (collagen type V alpha 1 chain; plus strand). Cytogenetic location: 9q34.3.
Variant type: single nucleotide variant.
Coding change: c.1860G>T on transcript NM_000093.5 (MANE Select); coding-DNA position 1860, G replaced by T.
Protein change: p.Met620Ile; replaces methionine 620 with isoleucine.
Molecular consequence: missense variant.
Genome position (GRCh38, 1-based): chr9:134,756,797, G>T. VCF-style: chr9-134756797-G-T. GRCh37 (hg19) VCF-style: chr9-137648643-G-T.
Other names: c.1860G>T, p.Met620Ile (NM_001278074.1); short protein forms M620I.
Identifiers: ClinVar variation 3835310 (VCV003835310.1).
Genomic context (GRCh38, chr9:134,756,797, plus strand): 5'-ATTGACGGTTTTGCCTCCTTTGTTCCAGGGTCGGGCTGGGAGTGATGGAGCCAGAGGAAT[G>T]CCTGGACAAACTGGCCCCAAGGTAGGTCACCCACCACCCTCCTGGTGCCCTGGCATCACT-3'
Protein context (NP_000084.3, residues 610-630): GRAGSDGARG[Met620Ile]PGQTGPKGDR